The following is an entry in ClinVar:

ClinVar aggregate classification (germline): Pathogenic/Likely pathogenic. Review status: criteria provided, multiple submitters, no conflicts (2 of 4 stars). 13 submissions from 13 submitters: Pathogenic (8); Likely pathogenic (2). 3 of the submissions do not count toward it. Last evaluated 2025-11-20.

Conditions:
TGM1-related disorder. Also called: TGM1-related condition.
Autosomal recessive congenital ichthyosis 1 (LI1). Also called: COLLODION FETUS; DESQUAMATION OF NEWBORN; ICHTHYOSIS CONGENITA; ICHTHYOSIS CONGENITA II; ICHTHYOSIS, CONGENITAL, AUTOSOMAL RECESSIVE 1, WITH BATHING SUIT DISTRIBUTION; ICHTHYOSIS, CONGENITAL, AUTOSOMAL RECESSIVE 1, WITH OR WITHOUT BATHING SUIT DISTRIBUTION. Identifiers: MedGen C4551630, MONDO:0009441, OMIM 242300.

Allele frequency attached by ClinVar (database versions not stated): gnomAD 0.00021; TOPMed 0.00028; ESP Exome Variant Server 0.00038.
gnomAD v4.1: 50 of 1,611,804 alleles (0.0031%); highest among the groups gnomAD compares: African/African-American, 0.057%; no homozygotes.

Submissions (13):

Natera, Inc.
Classification: Pathogenic for Autosomal recessive congenital ichthyosis type 1. Last evaluated: 2025-11-20. Review status: criteria provided, single submitter. Criteria: Natera Variant Classification Schema (03/2026). Collection method: clinical testing. Allele origin: germline.
Comment: The c.944G>T variant in TGM1 is a missense variant predicted to cause substitution of arginine to leucine at amino acid 315. This variant is rare in the general population with a frequency below the threshold expected for the associated phenotype(s). This variant has been observed in one or more individuals affected with the associated recessive disease, as either homozygous or compound heterozygous with a second variant (PMID: 10232404, 28403434, 36262015). Additionally, this variant has been observed to segregate in affected family members (PMID: 28403434). Given the available evidence, this variant is classified as Pathogenic.

Dasa
Classification: Pathogenic. Last evaluated: 2025-04-05. Review status: criteria provided, single submitter. Criteria: DASA Assertion Criteria. Collection method: clinical testing. Allele origin: germline.
Comment: NM_000359.3(TGM1):c.944G>T (p.Arg315Leu) is a missense variant that results in the substitution of arginine with leucine. The affected residue or protein region has prior evidence supporting clinical relevance. Segregation evidence has been reported in affected families. This variant has been observed in affected individuals with related phenotype in a genotype context consistent with recessive disease (PMID: 10232404; PMID: 16977323; PMID: 19863506; PMID: 20522418; PMID: 9593710). Functional evidence supports a deleterious effect on the gene or gene product (PMID: 10232404; PMID: 16977323; PMID: 19863506; PMID: 20522418; PMID: 9593710). This variant has been recurrently observed in individuals with related phenotype (PMID: 10232404; PMID: 16977323; PMID: 19863506; PMID: 20522418; PMID: 9593710). Multiple computational predictions support a deleterious effect on the gene or gene product. The variant is present at low frequency in population datasets. Based on the available data, this variant is classified as pathogenic.

Labcorp Genetics (formerly Invitae), Labcorp
Classification: Pathogenic. Last evaluated: 2024-01-05. Review status: criteria provided, single submitter. Criteria: Invitae Variant Classification Sherloc (09022015). Collection method: clinical testing. Allele origin: germline.
Comment: This sequence change replaces arginine, which is basic and polar, with leucine, which is neutral and non-polar, at codon 315 of the TGM1 protein (p.Arg315Leu). This variant is present in population databases (rs143473912, gnomAD 0.06%). This missense change has been observed in individuals with TGM1-related disease (PMID: 10232404, 16977323, 19863506, 20522418, 28403434). ClinVar contains an entry for this variant (Variation ID: 39531). Advanced modeling of protein sequence and biophysical properties (such as structural, functional, and spatial information, amino acid conservation, physicochemical variation, residue mobility, and thermodynamic stability) performed at Invitae indicates that this missense variant is expected to disrupt TGM1 protein function with a positive predictive value of 95%. Experimental studies have shown that this missense change affects TGM1 function (PMID: 9593710). This variant disrupts the p.Arg315 amino acid residue in TGM1. Other variant(s) that disrupt this residue have been determined to be pathogenic (PMID: 10232404, 16977323, 19863506, 20522418, 28403434). This suggests that this residue is clinically significant, and that variants that disrupt this residue are likely to be disease-causing. For these reasons, this variant has been classified as Pathogenic.

Division of Human Genetics, National Health Laboratory Service/University of the Witwatersrand
Classification: Pathogenic for Autosomal recessive congenital ichthyosis 1. Last evaluated: 2023-07-01. Review status: criteria provided, single submitter. Criteria: ACMG Guidelines, 2015. Collection method: research. Allele origin: germline. Affected: yes.

GeneDx
Classification: Pathogenic. Last evaluated: 2023-01-27. Review status: criteria provided, single submitter. Criteria: GeneDx Variant Classification Process June 2021. Collection method: clinical testing. Allele origin: germline. Affected: yes.
Comment: Published functional studies demonstrate a damaging effect with impaired proteolytic processing, reduced activity of membrane-bound transglutaminase 1 in keratinocytes, and enhanced stability of the mutant protein; variant described using alternate nomenclature as R314L (Candi et al., 1998; Trindade et al., 2010); This variant is associated with the following publications: (PMID: 31168818, 28403434, 19863506, 20522418, 10232404, 31589614, 35698621, 16977323, 9593710)

Blueprint Genetics
Classification: Pathogenic for TGM1-related disorders. Last evaluated: 2022-09-16. Review status: criteria provided, single submitter. Criteria: ACMG Guidelines, 2015. Collection method: clinical testing. Allele origin: germline. Affected: yes. Observed: 3 variant alleles.

Revvity Omics, Revvity
Classification: Pathogenic for Autosomal recessive congenital ichthyosis 1. Last evaluated: 2020-07-10. Review status: criteria provided, single submitter. Criteria: ACMG Guidelines, 2015. Collection method: clinical testing. Allele origin: germline.

Fulgent Genetics
Classification: Likely pathogenic for Autosomal recessive congenital ichthyosis 1. Last evaluated: 2018-10-31. Review status: criteria provided, single submitter. Criteria: ACMG Guidelines, 2015. Collection method: clinical testing. Allele origin: unknown.

Illumina Laboratory Services, Illumina
Classification: Pathogenic for Autosomal recessive congenital ichthyosis 1. Last evaluated: 2018-10-22. Review status: criteria provided, single submitter. Criteria: ICSL Variant Classification Criteria 09 May 2019. Collection method: clinical testing. Allele origin: germline.
Comment: The TGM1 c.944G>T (p.Arg315Leu) missense variant has been reported in three studies in which it is found in a total of 11 individuals with congenital ichthyosis including in ten in a homozygous state and in one in a compound heterozygous state (Tok et al. 1999; Arita et al. 2007; Hackett et al. 2010). The variant is also found in one unaffected parent in a heterozygous state (Tok et al. 1999). The p.Arg315Leu variant has been associated with a specific phenotype of ichthyosis referred to as bathing suit ichthyosis (Arita et al. 2007; Hackett et al. 2010). The p.Arg315Leu variant was absent from at least 150 control chromosomes (Arita et al. 2007; Hackett et al. 2010) and is reported at a frequency of 0.00061 in the African population of the Exome Aggregation Consortium. Testing in NHEK cells found that the p.Arg315Leu variant demonstrated increased protein stability, increased half-life and prevented proteolytic processing into the active form of the enzyme (Candi et al. 1998). The specific activity of the unprocessed form was similar to wild type, however due to the lack of processing the variant protein could not be converted into the highly active form, unlike wild type (Candi et al. 1998). The Arg315 residue is highly conserved and is located in a catalytic core domain (Arita et al. 2007). Based on the evidence, the p.Arg315Leu variant is classified as pathogenic for congenital ichthyosis. This variant was observed by ICSL as part of a predisposition screen in an ostensibly healthy population.

Genome-Nilou Lab
Classification: Likely pathogenic for Autosomal recessive congenital ichthyosis 1. Review status: criteria provided, single submitter. Criteria: ACMG Guidelines, 2015. Collection method: clinical testing. Allele origin: germline.

PreventionGenetics, part of Exact Sciences
Classification: Pathogenic for TGM1-related condition. Last evaluated: 2024-02-27. Review status: no assertion criteria provided. Collection method: clinical testing. Allele origin: germline. Not counted in ClinVar's aggregate classification.
Comment: The TGM1 c.944G>T variant is predicted to result in the amino acid substitution p.Arg315Leu. This variant has been previously reported in the homozygous or compound heterozygous state in patients with ichthyosis (Arita et al. 2007. PubMed ID: 16977323; Trindade et al. 2010. PubMed ID: 20522418; Hackett et al. 2010. PubMed ID: 19863506; Table S2, Simpson et al 2019. PubMed ID: 31168818; Marukian et al 2017. PubMed ID: 28403434). This variant is reported in 0.053% of alleles in individuals of African descent in gnomAD. This variant is interpreted as pathogenic.

Counsyl
Classification: Pathogenic for Autosomal recessive congenital ichthyosis 1. Last evaluated: 2017-01-03. Review status: no assertion criteria provided. Collection method: clinical testing. Allele origin: unknown. Not counted in ClinVar's aggregate classification.

OMIM
Classification: Pathogenic for ICHTHYOSIS, CONGENITAL, AUTOSOMAL RECESSIVE 1, WITH OR WITHOUT BATHING SUIT DISTRIBUTION. Last evaluated: 2010-02-01. Review status: no assertion criteria provided. Collection method: literature only. Allele origin: germline. Not counted in ClinVar's aggregate classification.

Literature cited by the submitters: PubMed 10232404 (cited by 6 submitters); PubMed 28403434 (cited by Natera, Inc. and Labcorp Genetics (formerly Invitae), Labcorp); PubMed 36262015 (cited by Natera, Inc.); PubMed 16977323 (cited by 5 submitters); PubMed 19863506 (cited by 5 submitters); PubMed 20522418 (cited by 3 submitters); PubMed 9593710 (cited by 4 submitters); PubMed 16280294 (cited by OMIM).

NM_000359.3(TGM1):c.944G>T (p.Arg315Leu)

Gene: TGM1 (transglutaminase 1; minus strand). Cytogenetic location: 14q12.
Variant type: single nucleotide variant.
Coding change: c.944G>T on transcript NM_000359.3 (MANE Select); coding-DNA position 944, G replaced by T.
Protein change: p.Arg315Leu; replaces arginine 315 with leucine.
Molecular consequence: missense variant.
Genome position (GRCh38, 1-based): chr14:24,259,744, C>A on the plus strand (G>T on the coding strand, the complement: TGM1 is on the minus strand). VCF-style: chr14-24259744-C-A. GRCh37 (hg19) VCF-style: chr14-24728950-C-A.
Other names: short protein forms R315L.
Identifiers: ClinVar variation 39531 (VCV000039531.37), dbSNP rs143473912, ClinGen allele CA261153.
Genomic context (GRCh38, chr14:24,259,744, plus strand): 5'-AGAGATGTGAGGGTGCTCACCATGGCAGAGATGACCCGGGAGACATTGACTGGGTCTCCA[C>A]GGCCTCCATATGGCATCCCCCGCCGGTCCAGGATGTATAAGCAGGCATCCAGCACCCCGT-3'
Protein context (NP_000350.1, residues 305-325): LDRRGMPYGG[Arg315Leu]GDPVNVSRVI